The following is an entry in ClinVar:

NM_053025.4(MYLK):c.2130C>G (p.Leu710=)

Gene: MYLK (myosin light chain kinase; minus strand). Cytogenetic location: 3q21.1.
Variant type: single nucleotide variant.
Coding change: c.2130C>G on transcript NM_053025.4 (MANE Select); coding-DNA position 2130, C replaced by G.
Protein change: p.Leu710=; no amino-acid change (leucine 710 retained).
Molecular consequence: synonymous variant.
Genome position (GRCh38, 1-based): chr3:123,708,708, G>C on the plus strand (C>G on the coding strand, the complement: MYLK is on the minus strand). VCF-style: chr3-123708708-G-C. GRCh37 (hg19) VCF-style: chr3-123427555-G-C.
Other names: c.1923C>G, p.Leu641= (NM_053026.4, NM_053028.4); c.1602C>G, p.Leu534= (NM_001321309.2); c.2130C>G, p.Leu710= (NM_053027.4).
Identifiers: ClinVar variation 509577 (VCV000509577.2), dbSNP rs1553808920, ClinGen allele CA435303680.

ClinVar aggregate classification (germline): Likely benign. Review status: criteria provided, multiple submitters, no conflicts (2 of 4 stars). 2 submissions from 2 submitters: Likely benign (2). Last evaluated 2025-05-27.

Conditions:
Familial thoracic aortic aneurysm and aortic dissection (TAAD). Also called: Thoracic aortic aneurysms and dissections. Identifiers: Orphanet 91387, MedGen C4707243, MONDO:0019625.

Submissions (2):

Ambry Genetics
Classification: Likely benign for Familial thoracic aortic aneurysm and aortic dissection. Last evaluated: 2025-05-27. Review status: criteria provided, single submitter. Criteria: Ambry Variant Classification Scheme 2023. Collection method: clinical testing. Allele origin: germline.

GeneDx
Classification: Likely benign. Last evaluated: 2017-05-12. Review status: criteria provided, single submitter. Criteria: GeneDx Variant Classification (06012015). Collection method: clinical testing. Allele origin: germline. Affected: yes.
Comment: This variant is considered likely benign or benign based on one or more of the following criteria: it is a conservative change, it occurs at a poorly conserved position in the protein, it is predicted to be benign by multiple in silico algorithms, and/or has population frequency not consistent with disease.